The following is an entry in ClinVar:

ClinVar aggregate classification (germline): Uncertain significance. Review status: criteria provided, multiple submitters, no conflicts (2 of 4 stars). 2 submissions from 2 submitters: Uncertain significance (2). Last evaluated 2023-09-02.

Conditions:
MED13-related disorder. Also called: MED13-related condition.
Intellectual developmental disorder 61. Also called: INTELLECTUAL DEVELOPMENTAL DISORDER, AUTOSOMAL DOMINANT 61; MENTAL RETARDATION, AUTOSOMAL DOMINANT 61. Identifiers: MedGen C5231400, MONDO:0032485, OMIM 618009.

Allele frequency attached by ClinVar (database versions not stated): gnomAD 0.00001; TOPMed 0.00002.
gnomAD v4.1: 1 of 1,613,880 alleles (0.000062%); highest among the groups gnomAD compares: African/African-American, 0.0013%; no homozygotes.

Submissions (2):

PreventionGenetics, part of Exact Sciences
Classification: Uncertain significance for MED13-related condition. Last evaluated: 2023-09-02. Review status: criteria provided, single submitter. Criteria: ACMG Guidelines, 2015. Collection method: clinical testing. Allele origin: germline.
Comment: The MED13 c.4273A>C variant is predicted to result in the amino acid substitution p.Lys1425Gln. To our knowledge, this variant has not been reported in the literature or in a large population database, indicating this variant is rare. At this time, the clinical significance of this variant is uncertain due to the absence of conclusive functional and genetic evidence.

Clinical Genomics Laboratory, Washington University in St. Louis
Classification: Uncertain significance for Intellectual developmental disorder 61. Last evaluated: 2023-07-21. Review status: criteria provided, single submitter. Criteria: ACMG Guidelines, 2015. Collection method: clinical testing. Allele origin: germline.
Comment: The MED13 c.4273A>C (p.Lys1425Gln) variant, to our knowledge, has not been reported in the medical literature. This variant is absent from the general population (gnomAD v.2.1.1), indicating it is not a common variant. Computational predictors are uncertain as to the impact of this variant on MED13 function. Due to limited information, and based on ACMG/AMP guidelines for variant interpretation (Richards S et al., PMID: 25741868), the clinical significance of this variant is uncertain at this time.

NM_005121.3(MED13):c.4273A>C (p.Lys1425Gln)

Gene: MED13 (mediator complex subunit 13; minus strand). Cytogenetic location: 17q23.2.
Variant type: single nucleotide variant.
Coding change: c.4273A>C on transcript NM_005121.3 (MANE Select); coding-DNA position 4273, A replaced by C.
Protein change: p.Lys1425Gln; replaces lysine 1425 with glutamine.
Molecular consequence: missense variant.
Genome position (GRCh38, 1-based): chr17:61,966,570, T>G on the plus strand (A>C on the coding strand, the complement: MED13 is on the minus strand). VCF-style: chr17-61966570-T-G. GRCh37 (hg19) VCF-style: chr17-60043931-T-G.
Other names: short protein forms K1425Q.
Identifiers: ClinVar variation 2631536 (VCV002631536.2), dbSNP rs1028813521, ClinGen allele CA292804530.